The following is an entry in ClinVar:

ClinVar aggregate classification (germline): Uncertain significance (1 of 4 stars; one submission).

Conditions:
NCOA1-related disorder. Also called: NCOA1-related condition.

Allele frequency attached by ClinVar (database versions not stated): ExAC 0.00003; gnomAD 0.00006; TOPMed 0.00006; ESP Exome Variant Server 0.00008; gnomAD exomes 0.00010.
gnomAD v4.1: 146 of 1,614,076 alleles (0.009%); highest among the groups gnomAD compares: Non-Finnish European, 0.011%; no homozygotes.

Submission:

PreventionGenetics, part of Exact Sciences
Classification: Uncertain significance for NCOA1-related condition. Last evaluated: 2026-02-13. Review status: criteria provided, single submitter. Criteria: ACMG Guidelines, 2015. Collection method: clinical testing. Allele origin: germline.
Comment: The NCOA1 c.1622T>C variant is predicted to result in the amino acid substitution p.Leu541Ser. This variant was reported in an individual with severe obesity (Cacciottolo et al. 2022. PubMed ID: 35137184). This variant is reported in 0.0088% of alleles in individuals of European (Non-Finnish) descent in gnomAD. At this time, the clinical significance of this variant is uncertain due to the absence of conclusive functional and genetic evidence.

NM_003743.5(NCOA1):c.1622T>C (p.Leu541Ser)

Gene: NCOA1 (nuclear receptor coactivator 1; plus strand). Cytogenetic location: 2p23.3.
Variant type: single nucleotide variant.
Coding change: c.1622T>C on transcript NM_003743.5 (MANE Select); coding-DNA position 1622, T replaced by C.
Protein change: p.Leu541Ser; replaces leucine 541 with serine.
Molecular consequence: missense variant.
Genome position (GRCh38, 1-based): chr2:24,707,092, T>C. VCF-style: chr2-24707092-T-C. GRCh37 (hg19) VCF-style: chr2-24929961-T-C.
Other names: c.1622T>C, p.Leu541Ser (NM_001362950.1, NM_001362952.1, NM_001362954.1 and 3 more transcripts); short protein forms L541S.
Identifiers: ClinVar variation 3043977 (VCV003043977.3), dbSNP rs148155916, ClinGen allele CA1552284.